The following is an entry in ClinVar:

ClinVar aggregate classification (germline): Uncertain significance. Review status: criteria provided, multiple submitters, no conflicts (2 of 4 stars). 3 submissions from 3 submitters: Uncertain significance (3). Last evaluated 2026-07-13.

Conditions:
Inborn genetic diseases. Identifiers: MedGen C0950123, MeSH D030342.
Neuropathy, hereditary sensory and autonomic, type 2A (HSAN2A). Also called: MORVAN DISEASE; NEUROPATHY, CONGENITAL SENSORY; NEUROPATHY, HEREDITARY SENSORY RADICULAR, AUTOSOMAL RECESSIVE; NEUROPATHY, HEREDITARY SENSORY, TYPE IIA; NEUROPATHY, PROGRESSIVE SENSORY, OF CHILDREN; ACROOSTEOLYSIS, GIACCAI TYPE. Identifiers: Orphanet 970, MedGen C2752089, MONDO:0024309, OMIM 201300.
Generalized epilepsy with febrile seizures plus, type 7 (GEFSP7). Also called: GEFS+, TYPE 7. Identifiers: Orphanet 36387, MedGen C2751778, MONDO:0013470, OMIM 613863.

Allele frequency attached by ClinVar (database versions not stated): gnomAD 0.00001; TOPMed 0.00001.
gnomAD v4.1: 3 of 1,613,084 alleles (0.00019%); highest among the groups gnomAD compares: Non-Finnish European, 0.00025%; no homozygotes.

Submissions (3):

Ambry Genetics
Classification: Uncertain significance for Inborn genetic diseases. Last evaluated: 2026-07-13. Review status: criteria provided, single submitter. Criteria: Ambry Variant Classification Scheme 2023. Collection method: clinical testing. Allele origin: germline.

Blueprint Genetics
Classification: Uncertain significance. Last evaluated: 2023-09-05. Review status: criteria provided, single submitter. Criteria: ACMG Guidelines, 2015. Collection method: clinical testing. Allele origin: germline.

Labcorp Genetics (formerly Invitae), Labcorp
Classification: Uncertain significance for Neuropathy, hereditary sensory and autonomic, type 2A; Generalized epilepsy with febrile seizures plus, type 7. Last evaluated: 2023-06-23. Review status: criteria provided, single submitter. Criteria: Invitae Variant Classification Sherloc (09022015). Collection method: clinical testing. Allele origin: germline.
Comment: ClinVar contains an entry for this variant (Variation ID: 962935). In summary, the available evidence is currently insufficient to determine the role of this variant in disease. Therefore, it has been classified as a Variant of Uncertain Significance. Advanced modeling of protein sequence and biophysical properties (such as structural, functional, and spatial information, amino acid conservation, physicochemical variation, residue mobility, and thermodynamic stability) performed at Invitae indicates that this missense variant is not expected to disrupt SCN9A protein function. This variant has not been reported in the literature in individuals affected with SCN9A-related conditions. This variant is not present in population databases (gnomAD no frequency). This sequence change replaces isoleucine, which is neutral and non-polar, with threonine, which is neutral and polar, at codon 62 of the SCN9A protein (p.Ile62Thr).

NM_001365536.1(SCN9A):c.185T>C (p.Ile62Thr)

Gene: SCN9A (sodium voltage-gated channel alpha subunit 9; minus strand). Cytogenetic location: 2q24.3.
Variant type: single nucleotide variant.
Coding change: c.185T>C on transcript NM_001365536.1 (MANE Select); coding-DNA position 185, T replaced by C.
Protein change: p.Ile62Thr; replaces isoleucine 62 with threonine.
Molecular consequence: missense variant.
Genome position (GRCh38, 1-based): chr2:166,311,572, A>G on the plus strand (T>C on the coding strand, the complement: SCN9A is on the minus strand). VCF-style: chr2-166311572-A-G. GRCh37 (hg19) VCF-style: chr2-167168082-A-G.
Other names: c.185T>C, p.Ile62Thr (NM_002977.4); short protein forms I62T.
Identifiers: ClinVar variation 962935 (VCV000962935.10), dbSNP rs886681700, ClinGen allele CA59810371.
Genomic context (GRCh38, chr2:166,311,572, plus strand): 5'-TAGTAGGGGTCCAAGTCCTCCAGGGGCTCTGACACCATGCCGGGAGGAATGTCCCCATAG[A>G]TGAAGGGCAGCTGTTTGCCAGCTTCCAAGTCACTGCTTGGCTTTGGGGCTTCTTCATCAT-3'
Protein context (NP_001352465.1, residues 52-72): DLEAGKQLPF[Ile62Thr]YGDIPPGMVS